The following is an entry in ClinVar:

ClinVar aggregate classification (germline): Uncertain significance (1 of 4 stars; one submission).

Conditions:
Chédiak-Higashi syndrome (CHS). Also called: Chediak-Higashi Syndrome. Identifiers: Orphanet 167, MedGen C0007965, MONDO:0008963, OMIM 214500.

Submission:

Labcorp Genetics (formerly Invitae), Labcorp
Classification: Uncertain significance for Chédiak-Higashi syndrome. Last evaluated: 2024-10-07. Review status: criteria provided, single submitter. Criteria: Invitae Variant Classification Sherloc (09022015). Collection method: clinical testing. Allele origin: germline.
Comment: This sequence change replaces leucine, which is neutral and non-polar, with methionine, which is neutral and non-polar, at codon 3183 of the LYST protein (p.Leu3183Met). This variant is not present in population databases (gnomAD no frequency). This variant has not been reported in the literature in individuals affected with LYST-related conditions. Invitae Evidence Modeling of protein sequence and biophysical properties (such as structural, functional, and spatial information, amino acid conservation, physicochemical variation, residue mobility, and thermodynamic stability) indicates that this missense variant is not expected to disrupt LYST protein function with a negative predictive value of 80%. In summary, the available evidence is currently insufficient to determine the role of this variant in disease. Therefore, it has been classified as a Variant of Uncertain Significance.

NM_000081.4(LYST):c.9547C>A (p.Leu3183Met)

Gene: LYST (lysosomal trafficking regulator; minus strand). Cytogenetic location: 1q42.3.
Variant type: single nucleotide variant.
Coding change: c.9547C>A on transcript NM_000081.4 (MANE Select); coding-DNA position 9547, C replaced by A.
Protein change: p.Leu3183Met; replaces leucine 3183 with methionine.
Molecular consequence: missense variant.
Genome position (GRCh38, 1-based): chr1:235,720,674, G>T on the plus strand (C>A on the coding strand, the complement: LYST is on the minus strand). VCF-style: chr1-235720674-G-T. GRCh37 (hg19) VCF-style: chr1-235883974-G-T.
Other names: c.9547C>A, p.Leu3183Met (NM_001301365.1); short protein forms L3183M.
Identifiers: ClinVar variation 3640754 (VCV003640754.2).